The following is an entry in ClinVar:

ClinVar aggregate classification (germline): Uncertain significance (1 of 4 stars; one submission).

Conditions:
Inborn genetic diseases. Identifiers: MedGen C0950123, MeSH D030342.

Submission:

Ambry Genetics
Classification: Uncertain significance for Inborn genetic diseases. Last evaluated: 2026-04-04. Review status: criteria provided, single submitter. Criteria: Ambry Variant Classification Scheme 2023. Collection method: clinical testing. Allele origin: germline.
Comment: The p.Q771R variant (also known as c.2312A>G), located in coding exon 8 of the MECOM gene, results from an A to G substitution at nucleotide position 2312. The glutamine at codon 771 is replaced by arginine, an amino acid with highly similar properties. This amino acid position is conserved. In addition, the in silico prediction for this alteration is inconclusive. Based on the available evidence, the clinical significance of this variant remains unclear.

NM_004991.4(MECOM):c.2312A>G (p.Gln771Arg)

Gene: MECOM (MDS1 and EVI1 complex locus; minus strand). Cytogenetic location: 3q26.2.
Variant type: single nucleotide variant.
Coding change: c.2312A>G on transcript NM_004991.4 (MANE Select); coding-DNA position 2312, A replaced by G.
Protein change: p.Gln771Arg; replaces glutamine 771 with arginine.
Molecular consequence: missense variant.
Genome position (GRCh38, 1-based): chr3:169,115,560, T>C on the plus strand (A>G on the coding strand, the complement: MECOM is on the minus strand). VCF-style: chr3-169115560-T-C. GRCh37 (hg19) VCF-style: chr3-168833348-T-C.
Other names: c.1943A>G, p.Gln648Arg (NM_001105077.4); c.1748A>G, p.Gln583Arg (NM_001105078.4, NM_001164000.2, NM_001205194.2 and 4 more transcripts); c.1751A>G, p.Gln584Arg (NM_001163999.2, NM_001366467.2, NM_001366468.2 and 1 more transcripts); c.2312A>G, p.Gln771Arg (NM_001366466.2); c.1340A>G, p.Gln447Arg (NM_001366473.2); c.776A>G, p.Gln259Arg (NM_001366474.2); short protein forms Q259R, Q447R, Q583R, Q584R, Q648R, Q771R.
Identifiers: ClinVar variation 4859720 (VCV004859720.1).